The following is an entry in ClinVar:

NM_000532.5(PCCB):c.1499-2A>G

Gene: PCCB (propionyl-CoA carboxylase subunit beta; plus strand). Cytogenetic location: 3q22.3.
Variant type: single nucleotide variant.
Coding change: c.1499-2A>G on transcript NM_000532.5 (MANE Select); the canonical splice acceptor site of the intron before coding-DNA position 1499, A replaced by G.
Molecular consequence: splice acceptor variant.
Genome position (GRCh38, 1-based): chr3:136,329,903, A>G. VCF-style: chr3-136329903-A-G. GRCh37 (hg19) VCF-style: chr3-136048745-A-G.
Other names: c.1559-2A>G (NM_001178014.2).
Identifiers: ClinVar variation 1723346 (VCV001723346.1), dbSNP rs2529980257, ClinGen allele CA354649888.

ClinVar aggregate classification (germline): Likely pathogenic (1 of 4 stars; one submission).

Conditions:
Propionic acidemia (PROP). Also called: GLYCINEMIA, KETOTIC; HYPERGLYCINEMIA WITH KETOACIDOSIS AND LEUKOPENIA; KETOTIC HYPERGLYCINEMIA. Identifiers: Orphanet 35, MedGen C0268579, MONDO:0011628, OMIM 606054, HP:0003571.

Submission:

Women's Health and Genetics/Laboratory Corporation of America, LabCorp
Classification: Likely pathogenic for Propionic acidemia. Last evaluated: 2022-10-19. Review status: criteria provided, single submitter. Criteria: LabCorp Variant Classification Summary - May 2015. Collection method: clinical testing. Allele origin: germline.
Comment: Variant summary: PCCB c.1499-2A>G is located in a canonical splice-site and is predicted to affect mRNA splicing resulting in a significantly altered protein due to either exon skipping, shortening, or inclusion of intronic material. Several computational tools predict a significant impact on normal splicing: Four predict the variant abolishes a 3 acceptor site. However, these predictions have yet to be confirmed by functional studies. The variant was absent in 251110 control chromosomes (gnomAD). To our knowledge, no occurrence of c.1499-2A>G in individuals affected with Propionic Acidemia and no experimental evidence demonstrating its impact on protein function have been reported. No clinical diagnostic laboratories have submitted clinical-significance assessments for this variant to ClinVar after 2014. Based on the evidence outlined above, the variant was classified as likely pathogenic.